The following is an entry in ClinVar:

NM_000059.4(BRCA2):c.3344del (p.Ser1115fs)

Gene: BRCA2 (BRCA2 DNA repair associated; plus strand). Cytogenetic location: 13q13.1.
Variant type: Deletion.
Coding change: c.3344del on transcript NM_000059.4 (MANE Select); coding-DNA position 3344, one base deleted (C; older notation c.3344delC).
Protein change: p.Ser1115fs; shifts the reading frame from serine 1115.
Molecular consequence: frameshift variant.
Genome position (GRCh38, 1-based): chr13:32,337,699, C deleted. VCF-style (leftmost placement, unchanged base first): chr13-32337698-TC-T. GRCh37 (hg19) VCF-style: chr13-32911835-TC-T.
Other names: c.3344delC (NM_000059.3); short protein forms S1115fs.
Identifiers: ClinVar variation 431304 (VCV000431304.5), dbSNP rs1135401900, ClinGen allele CA645372955.

ClinVar aggregate classification (germline): Pathogenic. Review status: reviewed by expert panel (3 of 4 stars). 5 submissions from 5 submitters: Pathogenic (1). 4 of the submissions do not count toward it. Last evaluated 2017-12-15.

Conditions:
BRCA2-related disorder. Also called: BRCA2-related condition; BRCA2-related disorders. Identifiers: MedGen CN239275.
Hereditary breast ovarian cancer syndrome. Also called: BRCA1- and BRCA2-Associated Hereditary Breast and Ovarian Cancer; Hereditary breast and/or ovarian cancer syndrome; Hereditary breast and ovarian cancer; Hereditary breast and ovarian cancer syndrome; Hereditary breast and ovarian cancer syndrome (HBOC); Breast and ovarian cancer. Identifiers: Orphanet 145, MedGen C0677776, MeSH D061325, MONDO:0003582. Disease mechanism: loss of function.
Hereditary cancer-predisposing syndrome. Also called: Hereditary neoplastic syndrome; Tumor predisposition; Neoplastic Syndromes, Hereditary; Hereditary Cancer Syndrome. Identifiers: Orphanet 140162, MedGen C0027672, MeSH D009386, MONDO:0015356.
Breast-ovarian cancer, familial, susceptibility to, 2 (BROVCA2). Also called: BRCA2 Hereditary Breast and Ovarian Cancer. Identifiers: Orphanet 145, MedGen C2675520, MONDO:0012933, OMIM 612555. Disease mechanism: loss of function.

Submissions (5):

Evidence-based Network for the Interpretation of Germline Mutant Alleles (ENIGMA)
Classification: Pathogenic for Breast-ovarian cancer, familial, susceptibility to, 2. Last evaluated: 2017-12-15. Review status: reviewed by expert panel. Criteria: ENIGMA BRCA1/2 Classification Criteria (2017-06-29). Collection method: curation. Allele origin: germline. Study: ENIGMA.
Comment: Variant allele predicted to encode a truncated non-functional protein.

Color Diagnostics, LLC DBA Color Health
Classification: Pathogenic for Hereditary cancer-predisposing syndrome. Last evaluated: 2024-03-26. Review status: criteria provided, single submitter. Criteria: ACMG Guidelines, 2015. Collection method: clinical testing. Allele origin: germline. Not counted in ClinVar's aggregate classification.
Comment: This variant deletes 1 nucleotide in exon 11 of the BRCA2 gene, creating a frameshift and premature translation stop signal. This variant is expected to result in an absent or non-functional protein product. To our knowledge, this variant has not been reported in individuals affected with BRCA2-related disorders in the literature. This variant has not been identified in the general population by the Genome Aggregation Database (gnomAD). Loss of BRCA2 function is a known mechanism of disease. Based on the available evidence, this variant is classified as Pathogenic.

PreventionGenetics, part of Exact Sciences
Classification: Pathogenic for BRCA2-related condition. Last evaluated: 2024-02-16. Review status: no assertion criteria provided. Collection method: clinical testing. Allele origin: germline. Not counted in ClinVar's aggregate classification.
Comment: The BRCA2 c.3344delC variant is predicted to result in a frameshift and premature protein termination (p.Ser1115Leufs*4). To our knowledge, this variant has not been reported in the literature or in a large population database, indicating this variant is rare. This variant has been interpreted as pathogenic in ClinVar. Frameshift variants in BRCA2 are expected to be pathogenic. This variant is interpreted as pathogenic.

Research Molecular Genetics Laboratory, Women's College Hospital, University of Toronto
Classification: Pathogenic for Hereditary breast ovarian cancer syndrome. Last evaluated: 2014-01-31. Review status: no assertion criteria provided. Collection method: research. Allele origin: germline. Affected: yes. Study: The Canadian Open Genetics Repository (COGR). Not counted in ClinVar's aggregate classification.

Department of Pathology and Laboratory Medicine, Sinai Health System
Classification: Uncertain significance. Review status: no assertion criteria provided. Collection method: clinical testing. Allele origin: unknown. Affected: yes. Observed: 1 variant allele. Study: The Canadian Open Genetics Repository (COGR). Not counted in ClinVar's aggregate classification.